The following is an entry in ClinVar:

NM_133433.4(NIPBL):c.6227TCA[2] (p.Ile2078del)

Gene: NIPBL (NIPBL cohesin loading factor; plus strand). Cytogenetic location: 5p13.2.
Variant type: Microsatellite.
Coding change: c.6227TCA[2] on transcript NM_133433.4 (MANE Select); two copies in a row of the 3-base unit TCA starting at c.6227; the reference has three copies in a row; one copy, 3 bases deleted.
Protein change: p.Ile2078del; deletes isoleucine 2078.
Molecular consequence: inframe deletion.
Genome position (GRCh38, 1-based): chr5:37,044,471-37,044,473, TCA deleted; deleting any 3 consecutive bases within chr5:37,044,465-37,044,473 gives the same sequence; the position shown is the placement nearest the transcript's 3' end. VCF-style (leftmost placement, unchanged base first): chr5-37044464-CTCA-C. GRCh37 (hg19) VCF-style: chr5-37044566-CTCA-C.
Other names: c.6227TCA[2], p.Ile2078del (NM_015384.5); short protein forms I2078del.
Identifiers: ClinVar variation 502212 (VCV000502212.13), dbSNP rs1554031820, ClinGen allele CA658796515.

ClinVar aggregate classification (germline): Uncertain significance. Review status: criteria provided, multiple submitters, no conflicts (2 of 4 stars). 2 submissions from 2 submitters: Uncertain significance (2). Last evaluated 2020-03-17.

Conditions:
Cornelia de Lange syndrome 1 (CDLS1). Also called: TYPUS DEGENERATIVUS AMSTELODAMENSIS; NIPBL-Related Cornelia de Lange Syndrome; Brachmann de Lange syndrome. Identifiers: Orphanet 199, MedGen C4551851, MONDO:0007387, OMIM 122470.

Submissions (2):

Labcorp Genetics (formerly Invitae), Labcorp
Classification: Uncertain significance for Cornelia de Lange syndrome 1. Last evaluated: 2020-03-17. Review status: criteria provided, single submitter. Criteria: Invitae Variant Classification Sherloc (09022015). Collection method: clinical testing. Allele origin: germline.
Comment: This variant, c.6233_6235del, results in the deletion of 1 amino acid(s) of the NIPBL protein (p.Ile2078del), but otherwise preserves the integrity of the reading frame. This variant is not present in population databases (ExAC no frequency). This variant has not been reported in the literature in individuals with NIPBL-related conditions. Experimental studies and prediction algorithms are not available or were not evaluated, and the functional significance of this variant is currently unknown. In summary, the available evidence is currently insufficient to determine the role of this variant in disease. Therefore, it has been classified as a Variant of Uncertain Significance.

Eurofins Ntd Llc (ga)
Classification: Uncertain significance. Last evaluated: 2017-06-07. Review status: criteria provided, single submitter. Criteria: EGL Classification Definitions 2015. Collection method: clinical testing. Allele origin: germline. Observed: 1 variant allele, 1 heterozygote.